The following is an entry in ClinVar:

NM_199420.4(POLQ):c.2345A>G (p.Gln782Arg)

Gene: POLQ (DNA polymerase theta; minus strand). Cytogenetic location: 3q13.33.
Variant type: single nucleotide variant.
Coding change: c.2345A>G on transcript NM_199420.4 (MANE Select); coding-DNA position 2345, A replaced by G.
Protein change: p.Gln782Arg; replaces glutamine 782 with arginine.
Molecular consequence: missense variant.
Genome position (GRCh38, 1-based): chr3:121,493,655, T>C on the plus strand (A>G on the coding strand, the complement: POLQ is on the minus strand). VCF-style: chr3-121493655-T-C. GRCh37 (hg19) VCF-style: chr3-121212502-T-C.
Other names: short protein forms Q782R.
Identifiers: ClinVar variation 3422639 (VCV003422639.1).

ClinVar aggregate classification (germline): Uncertain significance (1 of 4 stars; one submission).

Submission:

Ambry Genetics
Classification: Uncertain significance. Last evaluated: 2024-10-31. Review status: criteria provided, single submitter. Criteria: Ambry Variant Classification Scheme 2023. Collection method: clinical testing. Allele origin: germline.
Comment: The p.Q782R variant (also known as c.2345A>G), located in coding exon 15 of the POLQ gene, results from an A to G substitution at nucleotide position 2345. The glutamine at codon 782 is replaced by arginine, an amino acid with highly similar properties. This amino acid position is conserved. In addition, this alteration is predicted to be tolerated by in silico analysis. Based on the available evidence, the clinical significance of this variant remains unclear.